The following is an entry in ClinVar:

NM_003072.5(SMARCA4):c.4746G>A (p.Glu1582=)

Gene: SMARCA4 (SWI/SNF related BAF chromatin remodeling complex subunit ATPase 4; plus strand). Cytogenetic location: 19p13.2.
Variant type: single nucleotide variant.
Coding change: c.4746G>A on transcript NM_003072.5 (MANE Select); coding-DNA position 4746, G replaced by A.
Protein change: p.Glu1582=; no amino-acid change (glutamic acid 1582 retained).
Molecular consequence: synonymous variant. On other transcripts: non-coding transcript variant (1).
Genome position (GRCh38, 1-based): chr19:11,059,863, G>A. VCF-style: chr19-11059863-G-A. GRCh37 (hg19) VCF-style: chr19-11170539-G-A.
Other names: c.4746G>A, p.Glu1582= (NM_001128844.3); c.4656G>A, p.Glu1552= (NM_001128845.2); c.4653G>A, p.Glu1551= (NM_001128846.2); c.4647G>A, p.Glu1549= (NM_001128847.4, NM_001374457.1); c.4644G>A, p.Glu1548= (NM_001128848.2); c.4842G>A, p.Glu1614= (NM_001128849.3, NM_001387283.1); c.4743G>A, p.Glu1581= (NM_001411150.1).
Identifiers: ClinVar variation 2452879 (VCV002452879.5), dbSNP rs1600644753, ClinGen allele CA505495242.

ClinVar aggregate classification (germline): Benign/Likely benign. Review status: criteria provided, multiple submitters, no conflicts (2 of 4 stars). 3 submissions from 3 submitters: Benign (1); Likely benign (2). Last evaluated 2026-07-23.

Conditions:
Rhabdoid tumor predisposition syndrome 2 (RTPS2). Identifiers: Orphanet 231108, Orphanet 69077, MedGen C2750074, MONDO:0013224, OMIM 613325.
Hereditary cancer-predisposing syndrome. Also called: Neoplastic Syndromes, Hereditary; Tumor predisposition; Hereditary Cancer Syndrome; Hereditary neoplastic syndrome. Identifiers: Orphanet 140162, MedGen C0027672, MeSH D009386, MONDO:0015356.

Submissions (3):

Myriad Genetics, Inc.
Classification: Benign for Rhabdoid tumor predisposition syndrome 2. Last evaluated: 2026-07-23. Review status: criteria provided, single submitter. Criteria: Myriad Autosomal Dominant, Autosomal Recessive and X-Linked Classification Criteria (2023). Collection method: clinical testing. Allele origin: unknown.
Comment: This variant is considered benign. This variant is a silent/synonymous amino acid change and it is not expected to impact splicing.

Labcorp Genetics (formerly Invitae), Labcorp
Classification: Likely benign for Rhabdoid tumor predisposition syndrome 2. Last evaluated: 2024-03-12. Review status: criteria provided, single submitter. Criteria: Invitae Variant Classification Sherloc (09022015). Collection method: clinical testing. Allele origin: germline.

Ambry Genetics
Classification: Likely benign for Hereditary cancer-predisposing syndrome. Last evaluated: 2023-03-02. Review status: criteria provided, single submitter. Criteria: Ambry Variant Classification Scheme 2023. Collection method: clinical testing. Allele origin: germline.